The following is an entry in ClinVar:

NM_000548.5(TSC2):c.3884-12G>A

Gene: TSC2 (TSC complex subunit 2; plus strand). Cytogenetic location: 16p13.3.
Variant type: single nucleotide variant.
Coding change: c.3884-12G>A on transcript NM_000548.5 (MANE Select); 12 bases into the intron before coding-DNA position 3884, G replaced by A.
Molecular consequence: intron variant.
Genome position (GRCh38, 1-based): chr16:2,083,683, G>A. VCF-style: chr16-2083683-G-A. GRCh37 (hg19) VCF-style: chr16-2133684-G-A.
Other names: c.3815-12G>A (NM_001114382.3); c.3755-12G>A (NM_021055.3, NM_001370405.1); c.3686-12G>A (NM_001363528.2); c.3752-12G>A (NM_001370404.1); c.3683-12G>A (NM_001077183.3); c.3575-12G>A (NM_001318827.2); c.3152-12G>A (NM_001318831.2); c.3539-12G>A (NM_001318829.2); and 1 more.
Identifiers: ClinVar variation 1585461 (VCV001585461.12), dbSNP rs1282062597, ClinGen allele CA620379144.

ClinVar aggregate classification (germline): Likely benign. Review status: criteria provided, multiple submitters, no conflicts (2 of 4 stars). 4 submissions from 4 submitters: Likely benign (4). Last evaluated 2025-06-02.

Conditions:
Tuberous sclerosis syndrome (TSC). Also called: Tuberous Sclerosis Complex; Tuberous sclerosis. Identifiers: Orphanet 805, MedGen C0041341, MONDO:0001734.
Tuberous sclerosis 2 (TSC2). Identifiers: Orphanet 805, MedGen C1860707, MONDO:0013199, OMIM 613254.

gnomAD v4.1: 3 of 1,573,582 alleles (0.00019%); highest among the groups gnomAD compares: Non-Finnish European, 0.00017%; no homozygotes.

Submissions (4):

Myriad Genetics, Inc.
Classification: Likely benign for Tuberous sclerosis 2. Last evaluated: 2025-06-02. Review status: criteria provided, single submitter. Criteria: Myriad Autosomal Dominant, Autosomal Recessive and X-Linked Classification Criteria (2023). Collection method: clinical testing. Allele origin: unknown.
Comment: This variant is considered likely benign. This variant is intronic and is not expected to impact mRNA splicing.

All of Us Research Program, National Institutes of Health
Classification: Likely benign for Tuberous sclerosis syndrome. Last evaluated: 2024-03-24. Review status: criteria provided, single submitter. Criteria: ACMG Guidelines, 2015. Collection method: clinical testing. Allele origin: germline. Inheritance: Autosomal dominant inheritance. Observed: 3 variant alleles, 3 heterozygotes.
Comment: This study involves interpretation of variants in research participants for the purpose of population health screening. Participant phenotype was not available at the time of variant classification. Additional details can be found in publication PMID: 35346344, PMCID: PMC8962531

Color Diagnostics, LLC DBA Color Health
Classification: Likely benign for Tuberous sclerosis syndrome. Last evaluated: 2022-11-23. Review status: criteria provided, single submitter. Criteria: ACMG Guidelines, 2015. Collection method: clinical testing. Allele origin: germline.

Labcorp Genetics (formerly Invitae), Labcorp
Classification: Likely benign for Tuberous sclerosis 2. Last evaluated: 2021-03-31. Review status: criteria provided, single submitter. Criteria: Invitae Variant Classification Sherloc (09022015). Collection method: clinical testing. Allele origin: germline.